The following is an entry in ClinVar:

NM_003079.5(SMARCE1):c.1167G>A (p.Ser389=)

Gene: SMARCE1 (SWI/SNF related BAF chromatin remodeling complex subunit E1; minus strand). Cytogenetic location: 17q21.2.
Variant type: single nucleotide variant.
Coding change: c.1167G>A on transcript NM_003079.5 (MANE Select); coding-DNA position 1167, G replaced by A.
Protein change: p.Ser389=; no amino-acid change (serine 389 retained).
Molecular consequence: synonymous variant.
Genome position (GRCh38, 1-based): chr17:40,628,854, C>T on the plus strand (G>A on the coding strand, the complement: SMARCE1 is on the minus strand). VCF-style: chr17-40628854-C-T. GRCh37 (hg19) VCF-style: chr17-38785106-C-T.
Identifiers: ClinVar variation 414265 (VCV000414265.27), dbSNP rs755995632, ClinGen allele CA8545050.

ClinVar aggregate classification (germline): Benign/Likely benign. Review status: criteria provided, multiple submitters, no conflicts (2 of 4 stars). 5 submissions from 5 submitters: Benign (1); Likely benign (3). 1 of the submissions does not count toward it. Last evaluated 2026-01-28.

Conditions:
SMARCE1-related disorder. Also called: SMARCE1-related condition.
Hereditary cancer-predisposing syndrome. Also called: Tumor predisposition; Hereditary neoplastic syndrome; Hereditary Cancer Syndrome; Neoplastic Syndromes, Hereditary. Identifiers: Orphanet 140162, MedGen C0027672, MeSH D009386, MONDO:0015356.
Familial meningioma. Also called: Meningioma, familial, susceptibility to. Identifiers: Orphanet 263662, MedGen C3551915, MONDO:0011789, OMIM 607174.
SMARCB1-related schwannomatosis. Also called: Schwannomatosis 1; SWNTS1. Identifiers: Orphanet 93921, MedGen C4048809, MONDO:0024517, OMIM 162091. Disease mechanism: loss of function.

Allele frequency attached by ClinVar (database versions not stated): gnomAD exomes 0.00004; gnomAD 0.00005; TOPMed 0.00007.

Submissions (5):

Labcorp Genetics (formerly Invitae), Labcorp
Classification: Likely benign for Familial meningioma. Last evaluated: 2026-01-28. Review status: criteria provided, single submitter. Criteria: Invitae Variant Classification Sherloc (09022015). Collection method: clinical testing. Allele origin: germline.

CeGaT Center for Human Genetics Tuebingen
Classification: Likely benign. Last evaluated: 2025-08-01. Review status: criteria provided, single submitter. Criteria: CeGaT Center For Human Genetics Tuebingen Variant Classification Criteria Version 2. Collection method: clinical testing. Allele origin: germline. Affected: yes. Observed: 1 variant allele.
Comment: SMARCE1: BP4, BP7

KCCC/NGS Laboratory, Kuwait Cancer Control Center
Classification: Benign for SMARCB1-related schwannomatosis. Last evaluated: 2025-02-01. Review status: criteria provided, single submitter. Criteria: ACMG Guidelines, 2015. Collection method: clinical testing. Allele origin: germline. Affected: no.

Ambry Genetics
Classification: Likely benign for Hereditary cancer-predisposing syndrome. Last evaluated: 2019-01-14. Review status: criteria provided, single submitter. Criteria: Ambry Variant Classification Scheme 2023. Collection method: clinical testing. Allele origin: germline.

PreventionGenetics, part of Exact Sciences
Classification: Likely benign for SMARCE1-related condition. Last evaluated: 2019-08-09. Review status: no assertion criteria provided. Collection method: clinical testing. Allele origin: germline. Not counted in ClinVar's aggregate classification.
Comment: This variant is classified as likely benign based on ACMG/AMP sequence variant interpretation guidelines (Richards et al. 2015 PMID: 25741868, with internal and published modifications).